The following is an entry in ClinVar:

NM_005529.7(HSPG2):c.5246G>A (p.Arg1749His)

Gene: HSPG2 (heparan sulfate proteoglycan 2; minus strand). Cytogenetic location: 1p36.12.
Variant type: single nucleotide variant.
Coding change: c.5246G>A on transcript NM_005529.7 (MANE Select); coding-DNA position 5246, G replaced by A.
Protein change: p.Arg1749His; replaces arginine 1749 with histidine.
Molecular consequence: missense variant.
Genome position (GRCh38, 1-based): chr1:21,859,613, C>T on the plus strand (G>A on the coding strand, the complement: HSPG2 is on the minus strand). VCF-style: chr1-21859613-C-T. GRCh37 (hg19) VCF-style: chr1-22186106-C-T.
Other names: c.5246G>A (NM_005529.5, NM_005529.6); c.5249G>A, p.Arg1750His (NM_001291860.2); short protein forms R1750H, R1749H.
Identifiers: ClinVar variation 1492394 (VCV001492394.8), dbSNP rs765557016, ClinGen allele CA671996.

ClinVar aggregate classification (germline): Uncertain significance. Review status: criteria provided, multiple submitters, no conflicts (2 of 4 stars). 3 submissions from 3 submitters: Uncertain significance (3). Last evaluated 2025-02-05.

Conditions:
Inborn genetic diseases. Identifiers: MedGen C0950123, MeSH D030342.
HSPG2-related disorder. Also called: HSPG2-related condition; HSPG2-related disorders.

Allele frequency attached by ClinVar (database versions not stated): 1000 Genomes Project 30x 0.00031; gnomAD 0.00001; TOPMed 0.00001; gnomAD exomes 0.00002; ExAC 0.00004.
gnomAD v4.1: 31 of 1,608,358 alleles (0.0019%); highest among the groups gnomAD compares: South Asian, 0.0078%; no homozygotes.

Submissions (3):

PreventionGenetics, part of Exact Sciences
Classification: Uncertain significance for HSPG2-related condition. Last evaluated: 2025-02-05. Review status: criteria provided, single submitter. Criteria: ACMG Guidelines, 2015. Collection method: clinical testing. Allele origin: germline.
Comment: The HSPG2 c.5246G>A variant is predicted to result in the amino acid substitution p.Arg1749His. To our knowledge, this variant has not been reported in the literature. This variant is reported in 0.0034% of alleles in individuals of South Asian descent in gnomAD. At this time, the clinical significance of this variant is uncertain due to the absence of conclusive functional and genetic evidence.

Ambry Genetics
Classification: Uncertain significance for Inborn genetic diseases. Last evaluated: 2023-10-13. Review status: criteria provided, single submitter. Criteria: Ambry Variant Classification Scheme 2023. Collection method: clinical testing. Allele origin: germline.

Labcorp Genetics (formerly Invitae), Labcorp
Classification: Uncertain significance. Last evaluated: 2021-08-19. Review status: criteria provided, single submitter. Criteria: Invitae Variant Classification Sherloc (09022015). Collection method: clinical testing. Allele origin: germline.
Comment: This sequence change replaces arginine with histidine at codon 1749 of the HSPG2 protein (p.Arg1749His). The arginine residue is moderately conserved and there is a small physicochemical difference between arginine and histidine. This variant is present in population databases (rs765557016, ExAC 0.02%). This variant has not been reported in the literature in individuals affected with HSPG2-related conditions. Algorithms developed to predict the effect of missense changes on protein structure and function are either unavailable or do not agree on the potential impact of this missense change (SIFT: "Deleterious"; PolyPhen-2: "Probably Damaging"; Align-GVGD: "Class C0"). In summary, the available evidence is currently insufficient to determine the role of this variant in disease. Therefore, it has been classified as a Variant of Uncertain Significance.